The following is an entry in ClinVar:

NM_000070.3(CAPN3):c.1722del (p.Ser575fs)

Gene: CAPN3 (calpain 3; plus strand). Cytogenetic location: 15q15.1.
Variant type: Deletion.
Coding change: c.1722del on transcript NM_000070.3 (MANE Select); coding-DNA position 1722, one base deleted (C; older notation c.1722delC).
Protein change: p.Ser575fs; shifts the reading frame from serine 575.
Molecular consequence: frameshift variant.
Genome position (GRCh38, 1-based): chr15:42,402,979, C deleted. VCF-style (leftmost placement, unchanged base first): chr15-42402978-TC-T. GRCh37 (hg19) VCF-style: chr15-42695176-TC-T.
Other names: c.1722del (NM_000070.2); c.1722del, p.Ser575fs (NM_024344.2); c.1578del, p.Ser527fs (NM_173087.2); c.186del, p.Ser63fs (NM_173088.2); short protein forms S575fs, S63fs, S527fs.
Identifiers: ClinVar variation 503683 (VCV000503683.18), dbSNP rs1366387924, ClinGen allele CA618001554.

ClinVar aggregate classification (germline): Pathogenic/Likely pathogenic. Review status: criteria provided, multiple submitters, no conflicts (2 of 4 stars). 5 submissions from 5 submitters: Pathogenic (4); Likely pathogenic (1). Last evaluated 2025-04-21.

Conditions:
Autosomal recessive limb-girdle muscular dystrophy type 2A (LGMDR1). Also called: Calpainopathy; LEYDEN-MOEBIUS MUSCULAR DYSTROPHY; MUSCULAR DYSTROPHY, PELVOFEMORAL; Muscular dystrophy, limb-girdle, type 2A, Amish; Limb-girdle muscular dystrophy, type 2A. Identifiers: Orphanet 267, MedGen C1869123, MONDO:0009675, OMIM 253600. Disease mechanism: loss of function.
Muscular dystrophy, limb-girdle, autosomal dominant 4. Also called: MUSCULAR DYSTROPHY, LIMB-GIRDLE, TYPE 1I; Calpain-3-related limb-girdle muscular dystrophy D4. Identifiers: Orphanet 565909, MedGen C4748295, MONDO:0029133, OMIM 618129.

Allele frequency attached by ClinVar (database versions not stated): gnomAD exomes below 0.00001 and 0.00001; TOPMed 0.00001.

Submissions (5):

Revvity Omics, Revvity
Classification: Pathogenic. Last evaluated: 2025-04-21. Review status: criteria provided, single submitter. Criteria: ACMG Guidelines, 2015. Collection method: clinical testing. Allele origin: germline.

Natera, Inc.
Classification: Pathogenic for Limb-girdle muscular dystrophy type 2A. Last evaluated: 2024-07-19. Review status: criteria provided, single submitter. Criteria: Natera Variant Classification Schema (03/2026). Collection method: clinical testing. Allele origin: germline.
Comment: The c.1722del variant in CAPN3 is a frameshift variant predicted to shift the reading frame beginning at codon 575 and leads to a stop codon 20 codons downstream. This variant is expected to result in nonsense mediated decay, truncation, or a dysfunctional protein product. This variant is rare in the general population with a frequency below the threshold expected for the associated phenotype(s). This variant has been observed in one or more individuals affected with the associated recessive disease, as either homozygous or compound heterozygous with a second variant (PMID: 16372320, 15351423). Given the available evidence, this variant is classified as Pathogenic.

Baylor Genetics
Classification: Pathogenic for Muscular dystrophy, limb-girdle, autosomal dominant 4. Last evaluated: 2024-01-05. Review status: criteria provided, single submitter. Criteria: ACMG Guidelines, 2015. Collection method: clinical testing. Allele origin: unknown.

Labcorp Genetics (formerly Invitae), Labcorp
Classification: Pathogenic for Autosomal recessive limb-girdle muscular dystrophy type 2A. Last evaluated: 2023-11-19. Review status: criteria provided, single submitter. Criteria: Invitae Variant Classification Sherloc (09022015). Collection method: clinical testing. Allele origin: germline.
Comment: This sequence change creates a premature translational stop signal (p.Ser575Leufs*20) in the CAPN3 gene. It is expected to result in an absent or disrupted protein product. Loss-of-function variants in CAPN3 are known to be pathogenic (PMID: 10330340, 15689361). This variant is present in population databases (no rsID available, gnomAD 0.0009%). This premature translational stop signal has been observed in individuals with limb-girdle muscular dystrophy type 2A (PMID: 15351423, 25135358). ClinVar contains an entry for this variant (Variation ID: 503683). For these reasons, this variant has been classified as Pathogenic.

GeneDx
Classification: Likely pathogenic. Last evaluated: 2017-12-14. Review status: criteria provided, single submitter. Criteria: GeneDx Variant Classification (06012015). Collection method: clinical testing. Allele origin: germline. Affected: yes.
Comment: The c.1722delC variant in the CAPN3 gene has been previously reported in limb-girdle muscular dystrophy type 2A, in an affected individual who was also reported with a second CAPN3 variant (ChrobÃ¡kovÃ¡ et al., 2004). The c.1722delC variant causes a frameshift starting with codon Serine 575, changes this amino acid to a Leucine residue, and creates a premature Stop codon at position 20 of the new reading frame, denoted Ser575LeufsX20. This variant is predicted to cause loss of normal protein function either through protein truncation or nonsense-mediated mRNA decay. The c.1722delC variant is not observed in the homozygous state or at a significant frequency in large population cohorts (Lek et al., 2016). We interpret c.1722delC as a likely pathogenic variant.

Literature cited by the submitters: PubMed 16372320 (cited by Natera, Inc.); PubMed 15351423 (cited by Natera, Inc. and Labcorp Genetics (formerly Invitae), Labcorp); PubMed 10330340 (cited by Labcorp Genetics (formerly Invitae), Labcorp); PubMed 15689361 (cited by Labcorp Genetics (formerly Invitae), Labcorp); PubMed 25135358 (cited by Labcorp Genetics (formerly Invitae), Labcorp).